The following is an entry in ClinVar:

NM_021728.4(OTX2):c.451G>T (p.Ala151Ser)

Gene: OTX2 (orthodenticle homeobox 2; minus strand). Cytogenetic location: 14q22.3.
Variant type: single nucleotide variant.
Coding change: c.451G>T on transcript NM_021728.4 (MANE Select); coding-DNA position 451, G replaced by T.
Protein change: p.Ala151Ser; replaces alanine 151 with serine.
Molecular consequence: missense variant. On other transcripts: non-coding transcript variant (2).
Genome position (GRCh38, 1-based): chr14:56,802,178, C>A on the plus strand (G>T on the coding strand, the complement: OTX2 is on the minus strand). VCF-style: chr14-56802178-C-A. GRCh37 (hg19) VCF-style: chr14-57268896-C-A.
Other names: c.427G>T, p.Ala143Ser (NM_001270523.2, NM_001270524.2, NM_172337.3); c.451G>T, p.Ala151Ser (NM_001270525.2); c.427G>T (NM_172337.1); short protein forms A143S, A151S.
Identifiers: ClinVar variation 1396530 (VCV001396530.7), dbSNP rs770486100, ClinGen allele CA7200475.

ClinVar aggregate classification (germline): Conflicting classifications of pathogenicity. Review status: criteria provided, conflicting classifications (1 of 4 stars). 2 submissions from 2 submitters: Uncertain significance (1); Likely benign (1). Last evaluated 2024-09-03.

Conditions:
Inborn genetic diseases. Identifiers: MedGen C0950123, MeSH D030342.
Anophthalmia-microphthalmia syndrome. Also called: Anophthalmia/Microphthalmia; Anophthalmia - microphthalmia. Identifiers: Orphanet 98555, MedGen C5680330, MONDO:0020147.

gnomAD v4.1: 25 of 1,613,916 alleles (0.0015%); highest among the groups gnomAD compares: Non-Finnish European, 0.0019%; no homozygotes.

Submissions (2):

Ambry Genetics
Classification: Likely benign for Inborn genetic diseases. Last evaluated: 2024-09-03. Review status: criteria provided, single submitter. Criteria: Ambry Variant Classification Scheme 2023. Collection method: clinical testing. Allele origin: germline.

Labcorp Genetics (formerly Invitae), Labcorp
Classification: Uncertain significance for Anophthalmia-microphthalmia syndrome. Last evaluated: 2022-11-24. Review status: criteria provided, single submitter. Criteria: Invitae Variant Classification Sherloc (09022015). Collection method: clinical testing. Allele origin: germline.
Comment: ClinVar contains an entry for this variant (Variation ID: 1396530). This sequence change replaces alanine, which is neutral and non-polar, with serine, which is neutral and polar, at codon 143 of the OTX2 protein (p.Ala143Ser). This variant is present in population databases (rs770486100, gnomAD 0.002%). This variant has not been reported in the literature in individuals affected with OTX2-related conditions. Algorithms developed to predict the effect of missense changes on protein structure and function output the following: SIFT: "Tolerated"; PolyPhen-2: "Benign"; Align-GVGD: "Class C0". The serine amino acid residue is found in multiple mammalian species, which suggests that this missense change does not adversely affect protein function. In summary, the available evidence is currently insufficient to determine the role of this variant in disease. Therefore, it has been classified as a Variant of Uncertain Significance.